The following is an entry in ClinVar:

ClinVar aggregate classification (germline): Likely benign. Review status: criteria provided, multiple submitters, no conflicts (2 of 4 stars). 2 submissions from 2 submitters: Likely benign (2). Last evaluated 2026-05-01.

Conditions:
Creatine transporter deficiency (CCDS1). Also called: Mental retardation , X-linked with seizures, short stature and midface hypoplasia; Mental retardation , X-linked, with creatine transport deficiency; X-linked creatine transporter deficiency; X-linked creatine deficiency syndrome; SLC6A8-Related Creatine Transporter Deficiency; CREATINE TRANSPORTER DEFECT. Identifiers: Orphanet 52503, MedGen C1845862, MONDO:0010305, OMIM 300352.

Submissions (2):

CeGaT Center for Human Genetics Tuebingen
Classification: Likely benign. Last evaluated: 2026-05-01. Review status: criteria provided, single submitter. Criteria: CeGaT Center For Human Genetics Tuebingen Variant Classification Criteria Version 2. Collection method: clinical testing. Allele origin: germline. Affected: yes. Observed: 1 variant allele.
Comment: SLC6A8: PM2:Supporting, BP4, BP7

Labcorp Genetics (formerly Invitae), Labcorp
Classification: Likely benign for Creatine transporter deficiency. Last evaluated: 2022-07-01. Review status: criteria provided, single submitter. Criteria: Invitae Variant Classification Sherloc (09022015). Collection method: clinical testing. Allele origin: germline.

NM_005629.4(SLC6A8):c.214T>C (p.Leu72=)

Gene: SLC6A8 (solute carrier family 6 member 8; plus strand). Cytogenetic location: Xq28.
Variant type: single nucleotide variant.
Coding change: c.214T>C on transcript NM_005629.4 (MANE Select); coding-DNA position 214, T replaced by C.
Protein change: p.Leu72=; no amino-acid change (leucine 72 retained).
Molecular consequence: synonymous variant.
Genome position (GRCh38, 1-based): chrX:153,688,788, T>C. VCF-style: chrX-153688788-T-C. GRCh37 (hg19) VCF-style: chrX-152954243-T-C.
Other names: c.214T>C, p.Leu72= (NM_001142805.2).
Identifiers: ClinVar variation 778786 (VCV000778786.11), dbSNP rs1603213021, ClinGen allele CA519344427.